The following is an entry in ClinVar:

NM_000368.5(TSC1):c.2976G>C (p.Arg992Ser)

Gene: TSC1 (TSC complex subunit 1; minus strand). Cytogenetic location: 9q34.13.
Variant type: single nucleotide variant.
Coding change: c.2976G>C on transcript NM_000368.5 (MANE Select); coding-DNA position 2976, G replaced by C.
Protein change: p.Arg992Ser; replaces arginine 992 with serine.
Molecular consequence: missense variant. On other transcripts: non-coding transcript variant (5).
Genome position (GRCh38, 1-based): chr9:132,896,754, C>G on the plus strand (G>C on the coding strand, the complement: TSC1 is on the minus strand). VCF-style: chr9-132896754-C-G. GRCh37 (hg19) VCF-style: chr9-135772141-C-G.
Other names: c.2958G>C, p.Arg986Ser (NM_001406603.1, NM_001406604.1); c.2934G>C, p.Arg978Ser (NM_001406605.1, NM_001406606.1, NM_001406607.1); c.2931G>C, p.Arg977Ser (NM_001406608.1, NM_001406609.1); c.2823G>C, p.Arg941Ser (NM_001406610.1, NM_001162427.2); c.2820G>C, p.Arg940Ser (NM_001406611.1, NM_001406612.1); c.2778G>C, p.Arg926Ser (NM_001406613.1); c.2613G>C, p.Arg871Ser (NM_001406614.1, NM_001406615.1, NM_001406616.1 and 4 more transcripts); c.2610G>C, p.Arg870Ser (NM_001406620.1, NM_001406621.1, NM_001406622.1 and 1 more transcripts); and 8 more; short protein forms R641S, R674S, R675S, R856S, R857S, R870S, R871S, R926S.
Identifiers: ClinVar variation 4866040 (VCV004866040.1).

ClinVar aggregate classification (germline): Uncertain significance (1 of 4 stars; one submission).

Conditions:
Hereditary cancer-predisposing syndrome. Also called: Neoplastic Syndromes, Hereditary; Tumor predisposition; Hereditary Cancer Syndrome; Hereditary neoplastic syndrome. Identifiers: Orphanet 140162, MedGen C0027672, MeSH D009386, MONDO:0015356.

Submission:

Ambry Genetics
Classification: Uncertain significance for Hereditary cancer-predisposing syndrome. Last evaluated: 2026-05-20. Review status: criteria provided, single submitter. Criteria: Ambry Variant Classification Scheme 2023. Collection method: clinical testing. Allele origin: germline.
Comment: The p.R992S variant (also known as c.2976G>C) is located in coding exon 21 of the TSC1 gene. The arginine at codon 992 is replaced by serine, an amino acid with dissimilar properties. This change occurs in the first base pair of coding exon 21. This amino acid position is conserved. In addition, the in silico prediction for this alteration is inconclusive. Based on the available evidence, the clinical significance of this variant remains unclear.